The following is an entry in ClinVar:

NM_002471.4(MYH6):c.5410C>G (p.Gln1804Glu)

Gene: MYH6 (myosin heavy chain 6; minus strand). Cytogenetic location: 14q11.2.
Variant type: single nucleotide variant.
Coding change: c.5410C>G on transcript NM_002471.4 (MANE Select); coding-DNA position 5410, C replaced by G.
Protein change: p.Gln1804Glu; replaces glutamine 1804 with glutamic acid.
Molecular consequence: missense variant.
Genome position (GRCh38, 1-based): chr14:23,384,597, G>C on the plus strand (C>G on the coding strand, the complement: MYH6 is on the minus strand). VCF-style: chr14-23384597-G-C. GRCh37 (hg19) VCF-style: chr14-23853806-G-C.
Other names: short protein forms Q1804E.
Identifiers: ClinVar variation 3222355 (VCV003222355.1), dbSNP rs144571463, ClinGen allele CA388984597.

ClinVar aggregate classification (germline): Uncertain significance (1 of 4 stars; one submission).

Conditions:
Cardiovascular phenotype. Identifiers: MedGen CN230736.

gnomAD v4.1: 1 of 1,613,812 alleles (0.000062%); highest among the groups gnomAD compares: Non-Finnish European, 0.000085%; no homozygotes.

Submission:

Ambry Genetics
Classification: Uncertain significance for Cardiovascular phenotype. Last evaluated: 2024-01-22. Review status: criteria provided, single submitter. Criteria: Ambry Variant Classification Scheme 2023. Collection method: clinical testing. Allele origin: germline.
Comment: The p.Q1804E variant (also known as c.5410C>G), located in coding exon 34 of the MYH6 gene, results from a C to G substitution at nucleotide position 5410. The glutamine at codon 1804 is replaced by glutamic acid, an amino acid with highly similar properties. This amino acid position is conserved. In addition, the in silico prediction for this alteration is inconclusive. Based on the available evidence, the clinical significance of this alteration remains unclear.